The following is an entry in ClinVar:

ClinVar aggregate classification (germline): Conflicting classifications of pathogenicity. Review status: criteria provided, conflicting classifications (1 of 4 stars). 6 submissions from 6 submitters: Uncertain significance (4); Likely benign (2). Last evaluated 2025-12-04.

Conditions:
Inborn genetic diseases. Identifiers: MedGen C0950123, MeSH D030342.
Thrombomodulin-related bleeding disorder (THPH12). Also called: Thrombophilia due to thrombomodulin defect. Identifiers: Orphanet 436169, MedGen C3280976, MONDO:0013775, OMIM 614486.
Atypical hemolytic-uremic syndrome with thrombomodulin anomaly. Also called: HEMOLYTIC UREMIC SYNDROME, ATYPICAL, SUSCEPTIBILITY TO, 6; AHUS, SUSCEPTIBILITY TO, 6. Identifiers: MedGen C2752036, MONDO:0013044, OMIM 612926. Disease mechanism: gain of function.

Allele frequency attached by ClinVar (database versions not stated): ExAC 0.00004; gnomAD exomes 0.00004 and 0.00007; gnomAD 0.00005; TOPMed 0.00005; ESP Exome Variant Server 0.00008.

Submissions (6):

Labcorp Genetics (formerly Invitae), Labcorp
Classification: Uncertain significance. Last evaluated: 2025-12-04. Review status: criteria provided, single submitter. Criteria: Invitae Variant Classification Sherloc (09022015). Collection method: clinical testing. Allele origin: germline.
Comment: This sequence change replaces aspartic acid, which is acidic and polar, with glycine, which is neutral and non-polar, at codon 469 of the THBD protein (p.Asp469Gly). This variant is present in population databases (rs373741115, gnomAD 0.006%). This variant has not been reported in the literature in individuals affected with THBD-related conditions. ClinVar contains an entry for this variant (Variation ID: 1434632). Invitae Evidence Modeling of protein sequence and biophysical properties (such as structural, functional, and spatial information, amino acid conservation, physicochemical variation, residue mobility, and thermodynamic stability) indicates that this missense variant is not expected to disrupt THBD protein function with a negative predictive value of 80%. In summary, the available evidence is currently insufficient to determine the role of this variant in disease. Therefore, it has been classified as a Variant of Uncertain Significance.

Ambry Genetics
Classification: Likely benign for Inborn genetic diseases. Last evaluated: 2025-08-05. Review status: criteria provided, single submitter. Criteria: Ambry Variant Classification Scheme 2023. Collection method: clinical testing. Allele origin: germline.

GeneDx
Classification: Uncertain significance. Last evaluated: 2025-06-12. Review status: criteria provided, single submitter. Criteria: GeneDx Variant Classification Process June 2021. Collection method: clinical testing. Allele origin: germline. Affected: yes.
Comment: In silico analysis suggests that this missense variant does not alter protein structure/function; Has not been previously published as pathogenic or benign to our knowledge

Fulgent Genetics
Classification: Uncertain significance for Atypical hemolytic-uremic syndrome with thrombomodulin anomaly; Thrombomodulin-related bleeding disorder. Last evaluated: 2024-01-23. Review status: criteria provided, single submitter. Criteria: ACMG Guidelines, 2015. Collection method: clinical testing. Allele origin: germline.

Blueprint Genetics
Classification: Likely benign. Last evaluated: 2022-08-18. Review status: criteria provided, single submitter. Criteria: ACMG Guidelines, 2015. Collection method: clinical testing. Allele origin: germline.

Revvity Omics, Revvity
Classification: Uncertain significance for Thrombomodulin-related bleeding disorder. Last evaluated: 2022-05-16. Review status: criteria provided, single submitter. Criteria: ACMG Guidelines, 2015. Collection method: clinical testing. Allele origin: germline.

NM_000361.3(THBD):c.1406A>G (p.Asp469Gly)

Gene: THBD (thrombomodulin; minus strand). Cytogenetic location: 20p11.21.
Variant type: single nucleotide variant.
Coding change: c.1406A>G on transcript NM_000361.3 (MANE Select); coding-DNA position 1406, A replaced by G.
Protein change: p.Asp469Gly; replaces aspartic acid 469 with glycine.
Molecular consequence: missense variant.
Genome position (GRCh38, 1-based): chr20:23,048,099, T>C on the plus strand (A>G on the coding strand, the complement: THBD is on the minus strand). VCF-style: chr20-23048099-T-C. GRCh37 (hg19) VCF-style: chr20-23028736-T-C.
Other names: c.1406A>G (NM_000361.2); short protein forms D469G.
Identifiers: ClinVar variation 1434632 (VCV001434632.16), dbSNP rs373741115, ClinGen allele CA9787568.